The following is an entry in ClinVar:

NM_004453.4(ETFDH):c.324_330delinsTCCT (p.Gln108_Gly110delinsHisPro)

Gene: ETFDH (electron transfer flavoprotein dehydrogenase; plus strand). Cytogenetic location: 4q32.1.
Variant type: Indel.
Coding change: c.324_330delinsTCCT on transcript NM_004453.4 (MANE Select); coding-DNA positions 324 to 330, GATAGGA replaced by TCCT.
Protein change: p.Gln108_Gly110delinsHisPro.
Molecular consequence: inframe indel.
Genome position (GRCh38, 1-based): chr4:158,682,343-158,682,349, GATAGGA replaced by TCCT. VCF-style: chr4-158682343-GATAGGA-TCCT. GRCh37 (hg19) VCF-style: chr4-159603495-GATAGGA-TCCT.
Other names: c.183_189delinsTCCT, p.Gln61_Gly63delinsHisPro (NM_001281737.2); c.141_147delinsTCCT, p.Gln47_Gly49delinsHisPro (NM_001281738.1); c.324_330delGATAGGAinsTCCT (NM_004453.2); c.324_330delinsTCCT (NM_004453.2).
Identifiers: ClinVar variation 504230 (VCV000504230.4), dbSNP rs1554031483, ClinGen allele CA658796476.

ClinVar aggregate classification (germline): Likely pathogenic (1 of 4 stars; one submission).

Submission:

GeneDx
Classification: Likely pathogenic. Last evaluated: 2025-06-18. Review status: criteria provided, single submitter. Criteria: GeneDx Variant Classification Process June 2021. Collection method: clinical testing. Allele origin: germline. Affected: yes.
Comment: Not observed at significant frequency in large population cohorts (gnomAD); In-frame deletion of 3 amino acid(s) and insertion of 2 different amino acid(s) in a non-repeat region; In silico analysis supports a deleterious effect on protein structure/function; Has not been previously published as pathogenic or benign to our knowledge